The following is an entry in ClinVar:

ClinVar aggregate classification (germline): Uncertain significance. Review status: criteria provided, multiple submitters, no conflicts (2 of 4 stars). 2 submissions from 2 submitters: Uncertain significance (2). Last evaluated 2025-11-05.

Conditions:
Inborn genetic diseases. Identifiers: MedGen C0950123, MeSH D030342.
CRYBB1-related disorder. Also called: CRYBB1-related condition.

gnomAD v4.1: 26 of 1,614,034 alleles (0.0016%); highest among the groups gnomAD compares: Middle Eastern, 0.016%; no homozygotes.

Submissions (2):

Ambry Genetics
Classification: Uncertain significance for Inborn genetic diseases. Last evaluated: 2025-11-05. Review status: criteria provided, single submitter. Criteria: Ambry Variant Classification Scheme 2023. Collection method: clinical testing. Allele origin: germline.

PreventionGenetics, part of Exact Sciences
Classification: Uncertain significance for CRYBB1-related condition. Last evaluated: 2025-05-06. Review status: criteria provided, single submitter. Criteria: ACMG Guidelines, 2015. Collection method: clinical testing. Allele origin: germline.
Comment: The CRYBB1 c.307G>A variant is predicted to result in the amino acid substitution p.Ala103Thr. To our knowledge, this variant has not been reported in the literature. This variant is reported in 0.040% of alleles in individuals of African descent in gnomAD. At this time, the clinical significance of this variant is uncertain due to the absence of conclusive functional and genetic evidence.

NM_001887.4(CRYBB1):c.307G>A (p.Ala103Thr)

Genes: CRYBA4 (crystallin beta A4; plus strand), CRYBB1 (crystallin beta B1; minus strand). Cytogenetic location: 22q12.1.
Variant type: single nucleotide variant.
Coding change: c.307G>A on transcript NM_001887.4 (MANE Select); coding-DNA position 307, G replaced by A.
Protein change: p.Ala103Thr; replaces alanine 103 with threonine.
Molecular consequence: missense variant.
Genome position (GRCh38, 1-based): chr22:26,608,014, C>T on the plus strand (G>A on the coding strand, the complement: CRYBB1 is on the minus strand). VCF-style: chr22-26608014-C-T. GRCh37 (hg19) VCF-style: chr22-27003978-C-T.
Other names: short protein forms A103T.
Identifiers: ClinVar variation 4616599 (VCV004616599.2).